The following is an entry in ClinVar:

ClinVar aggregate classification (germline): Pathogenic/Likely pathogenic. Review status: criteria provided, multiple submitters, no conflicts (2 of 4 stars). 16 submissions from 16 submitters: Pathogenic (10); Likely pathogenic (5). 1 of the submissions does not count toward it. Last evaluated 2026-03-12.

Conditions:
Cardiac arrhythmia. Also called: Arrhythmia; Cardiac rhythm disease. Identifiers: MedGen C0003811, MONDO:0007263, HP:0011675.
KCNQ1-related disorder. Also called: KCNQ1-related condition; KCNQ1-related disorders. Identifiers: MedGen CN239322.
Cardiovascular phenotype. Identifiers: MedGen CN230736.
Familial long QT syndrome (RWS). Also called: Congenital long QT syndrome; Romano-Ward syndrome; VENTRICULAR FIBRILLATION WITH PROLONGED QT INTERVAL. Identifiers: Orphanet 768, MedGen C1141890, MONDO:0019171.
Atrial fibrillation, familial, 3 (ATFB3). Identifiers: MedGen C1837014, MONDO:0011857, OMIM 607554.
Long QT syndrome 1 (LQT1). Identifiers: Orphanet 101016, Orphanet 768, MedGen C4551647, MONDO:0100316, OMIM 192500, MONDO:0008646.
Jervell and Lange-Nielsen syndrome 1 (JLNS1). Also called: CARDIOAUDITORY SYNDROME OF JERVELL AND LANGE-NIELSEN; DEAFNESS, CONGENITAL, AND FUNCTIONAL HEART DISEASE; PROLONGED QT INTERVAL IN EKG AND SUDDEN DEATH; SURDO-CARDIAC SYNDROME. Identifiers: Orphanet 768, Orphanet 90647, MedGen C4551509, MONDO:0024540, OMIM 220400.
Short QT syndrome type 2. Identifiers: Orphanet 51083, MedGen C1865019, MONDO:0012313, OMIM 609621.
Beckwith-Wiedemann syndrome (BWS). Also called: Exomphalos macroglossia gigantism syndrome; EMG SYNDROME. Identifiers: Orphanet 116, MedGen C0004903, MONDO:0007534, OMIM 130650.
Long QT syndrome (LQTS). Identifiers: MedGen C0023976, MeSH D008133, MONDO:0002442. Disease mechanism: loss of function. Inheritance: Various modes of inheritance.

Allele frequency attached by ClinVar (database versions not stated): gnomAD 0.00001; TOPMed 0.00001.
gnomAD v4.1: 34 of 1,566,228 alleles (0.0022%); highest among the groups gnomAD compares: Non-Finnish European, 0.0024%; no homozygotes.

Submissions 1 to 6 of 16:

Dasa
Classification: Pathogenic. Last evaluated: 2026-03-12. Review status: criteria provided, single submitter. Criteria: DASA Assertion Criteria. Collection method: clinical testing. Allele origin: germline.
Comment: NM_000218.3(KCNQ1):c.1664G>A (p.Arg555His) is a missense variant that results in the substitution of arginine with histidine. Functional evidence supports a deleterious effect on the gene or gene product (PMID: 25037568; PMID: 25344363; PMID: 14998624; PMID: 19841300; PMID: 22949429). This variant has been recurrently observed in individuals with related phenotype (PMID: 25037568; PMID: 25344363; PMID: 14998624; PMID: 19841300; PMID: 22949429). Multiple computational predictions support a deleterious effect on the gene or gene product. The variant is present at low frequency in population datasets. Based on the available data, this variant is classified as pathogenic.

Labcorp Genetics (formerly Invitae), Labcorp
Classification: Pathogenic for Long QT syndrome. Last evaluated: 2026-02-02. Review status: criteria provided, single submitter. Criteria: Invitae Variant Classification Sherloc (09022015). Collection method: clinical testing. Allele origin: germline.
Comment: This sequence change replaces arginine, which is basic and polar, with histidine, which is basic and polar, at codon 555 of the KCNQ1 protein (p.Arg555His). The frequency data for this variant in the population databases is considered unreliable, as metrics indicate poor data quality at this position in the gnomAD database. This missense change has been observed in individuals with long QT syndrome (PMID: 14998624, 22949429, 23098067, 23130128). ClinVar contains an entry for this variant (Variation ID: 53003). Invitae Evidence Modeling of protein sequence and biophysical properties (such as structural, functional, and spatial information, amino acid conservation, physicochemical variation, residue mobility, and thermodynamic stability) indicates that this missense variant is expected to disrupt KCNQ1 protein function with a positive predictive value of 95%. Experimental studies have shown that this missense change affects KCNQ1 function (PMID: 25037568, 25344363). This variant disrupts the p.Arg555 amino acid residue in KCNQ1. Other variant(s) that disrupt this residue have been determined to be pathogenic (PMID: 9386136, 19934648). This suggests that this residue is clinically significant, and that variants that disrupt this residue are likely to be disease-causing. For these reasons, this variant has been classified as Pathogenic.

Color Diagnostics, LLC DBA Color Health
Classification: Likely pathogenic for Cardiac arrhythmia. Last evaluated: 2025-07-28. Review status: criteria provided, single submitter. Criteria: ACMG Guidelines, 2015. Collection method: clinical testing. Allele origin: germline.
Comment: This missense variant replaces arginine with histidine at codon 555 of the KCNQ1 protein. This variant is found within a highly conserved region of the C-terminal cytoplasmic domain of the KCNQ1 protein (a.a. 509-575). Rare nontruncating variants in this region have been shown to be significantly overrepresented in individuals with long QT syndrome (PMID: 32893267). Functional studies have shown that this variant impairs potassium channel function without disrupting protein trafficking to the cell surface (PMID: 25037568, 25344363). This variant has been reported in more than ten individuals affected with long QT syndrome (PMID: 14998624, 19841300, 22949429, 23130128, 32383558, 34505893, 36102233, 37457655, ClinVar SCV000234515.13) and in another few individuals suspected of having long QT syndrome (PMID: 15840476, 19716085, 23098067, 26412604). This variant has been identified in 4/176120 chromosomes in the general population by the Genome Aggregation Database (gnomAD). Different missense variants occurring at the same codon, p.Arg555Cys and p.Arg555Ser, are known to be pathogenic (ClinVar variation ID 3126, 67046), indicating that arginine at this position is important for KCNQ1 protein function. Based on the available evidence, this variant is classified as Likely Pathogenic.

Ambry Genetics
Classification: Likely pathogenic for Cardiovascular phenotype. Last evaluated: 2025-02-04. Review status: criteria provided, single submitter. Criteria: Ambry Variant Classification Scheme 2023. Collection method: clinical testing. Allele origin: germline.
Comment: The p.R555H variant (also known as c.1664G>A), located in coding exon 13 of the KCNQ1 gene, results from a G to A substitution at nucleotide position 1664. The arginine at codon 555 is replaced by histidine, an amino acid with highly similar properties. This alteration has been detected in individuals reported to have long QT syndrome (LQTS), and in several LQTS testing cohorts, although clinical details were limited (Lupoglazoff JM et al. J. Am. Coll. Cardiol., 2004 Mar;43:826-30; Tester DJ et al. Heart Rhythm, 2005 May;2:507-17; Kapplinger JD et al. Heart Rhythm, 2009 Sep;6:1297-303; Giudicessi JR et al. Circ Cardiovasc Genet, 2012 Oct;5:519-28; Stattin EL et al. BMC Cardiovasc Disord, 2012 Oct;12:95). Functional studies by different investigators have demonstrated reduced current, slower activation, and faster deactivation with this alteration, while conclusions about possible trafficking defects were conflicting (Dvir M et al. J. Cell. Sci., 2014 Sep;127:3943-55; Aromolaran AS et al. Cardiovasc. Res., 2014 Dec;104:501-11). Based on internal structural analysis, this variant is predicted to be structurally disruptive (Long SB et al. Nature. 2007 Nov;450(7168):376-82; Ambry internal data). This amino acid position is highly conserved in available vertebrate species. In addition, this alteration is predicted to be deleterious by in silico analysis. Based on the majority of available evidence to date, this variant is likely to be pathogenic.

All of Us Research Program, National Institutes of Health
Classification: Likely pathogenic for Long QT syndrome. Last evaluated: 2024-09-24. Review status: criteria provided, single submitter. Criteria: ACMG Guidelines, 2015. Collection method: clinical testing. Allele origin: germline. Inheritance: Autosomal dominant inheritance. Observed: 3 variant alleles, 3 heterozygotes.
Comment: This missense variant replaces arginine with histidine at codon 555 in the C-terminal cytoplasmic domain of the KCNQ1 protein. Computational prediction suggests that this variant may have deleterious impact on protein structure and function (internally defined REVEL score threshold >= 0.7, PMID: 27666373). Functional studies have shown that this variant impairs sodium channel function without disrupting protein trafficking to the cell surface (PMID: 25037568, 25344363). This variant has been reported in individuals affected with long QT syndrome (PMID: 14998624, 19841300, 22949429, 23130128; ClinVar SCV000234515.13) and in individuals suspected of having long QT syndrome (PMID: 15840476, 19716085, 23098067). This variant has been identified in 4/176120 chromosomes in the general population by the Genome Aggregation Database (gnomAD). Based on the available evidence, this variant is classified as Likely Pathogenic.

This study involves interpretation of variants in research participants for the purpose of population health screening. Participant phenotype was not available at the time of variant classification. Additional details can be found in publication PMID: 35346344, PMCID: PMC8962531

GeneDx
Classification: Pathogenic. Last evaluated: 2024-06-18. Review status: criteria provided, single submitter. Criteria: GeneDx Variant Classification Process June 2021. Collection method: clinical testing. Allele origin: germline. Affected: yes.
Comment: Not observed at significant frequency in large population cohorts (gnomAD); In silico analysis supports that this missense variant has a deleterious effect on protein structure/function; This variant is associated with the following publications: (PMID: 19716085, 23098067, 23130128, 26745405, 25705178, 22581653, 34505893, 34697415, 25037568, 19841300, 15840476, 14998624, 22949429, 27761162, 26412604, 9386136, 30609406, 32048431, 32383558, 31006312, 33087929, 25344363)

NM_000218.3(KCNQ1):c.1664G>A (p.Arg555His)

Gene: KCNQ1 (potassium voltage-gated channel subfamily Q member 1; plus strand). Cytogenetic location: 11p15.5.
Variant type: single nucleotide variant.
Coding change: c.1664G>A on transcript NM_000218.3 (MANE Select); coding-DNA position 1664, G replaced by A.
Protein change: p.Arg555His; replaces arginine 555 with histidine.
Molecular consequence: missense variant.
Genome position (GRCh38, 1-based): chr11:2,776,033, G>A. VCF-style: chr11-2776033-G-A. GRCh37 (hg19) VCF-style: chr11-2797263-G-A.
Other names: p.R555H:CGC>CAC; c.1664G>A (LRG_287t1); c.1568G>A, p.Arg523His (NM_001406836.1); c.1394G>A, p.Arg465His (NM_001406837.1); c.1124G>A, p.Arg375His (NM_001406838.1); c.1283G>A, p.Arg428His (NM_181798.2); short protein forms R555H, R428H, R465H, R375H, R523H.
Identifiers: ClinVar variation 53003 (VCV000053003.79), dbSNP rs199472800, ClinGen allele CA006147.